The following is an entry in ClinVar:

ClinVar aggregate classification (germline): Uncertain significance. Review status: criteria provided, multiple submitters, no conflicts (2 of 4 stars). 2 submissions from 2 submitters: Uncertain significance (2). Last evaluated 2025-01-04.

Conditions:
Inborn genetic diseases. Identifiers: MedGen C0950123, MeSH D030342.

gnomAD v4.1: 4 of 1,614,174 alleles (0.00025%); highest among the groups gnomAD compares: Admixed American, 0.0067%; no homozygotes.

Submissions (2):

Ambry Genetics
Classification: Uncertain significance for Inborn genetic diseases. Last evaluated: 2025-01-04. Review status: criteria provided, single submitter. Criteria: Ambry Variant Classification Scheme 2023. Collection method: clinical testing. Allele origin: germline.

Labcorp Genetics (formerly Invitae), Labcorp
Classification: Uncertain significance. Last evaluated: 2022-06-08. Review status: criteria provided, single submitter. Criteria: Invitae Variant Classification Sherloc (09022015). Collection method: clinical testing. Allele origin: germline.
Comment: This sequence change replaces proline, which is neutral and non-polar, with histidine, which is basic and polar, at codon 224 of the MCM3AP protein (p.Pro224His). This variant is present in population databases (rs768052088, gnomAD 0.01%). This variant has not been reported in the literature in individuals affected with MCM3AP-related conditions. Algorithms developed to predict the effect of missense changes on protein structure and function are either unavailable or do not agree on the potential impact of this missense change (SIFT: "Deleterious"; PolyPhen-2: "Possibly Damaging"; Align-GVGD: "Class C0"). In summary, the available evidence is currently insufficient to determine the role of this variant in disease. Therefore, it has been classified as a Variant of Uncertain Significance.

NM_003906.5(MCM3AP):c.671C>A (p.Pro224His)

Gene: MCM3AP (minichromosome maintenance complex component 3 associated protein; minus strand). Cytogenetic location: 21q22.3.
Variant type: single nucleotide variant.
Coding change: c.671C>A on transcript NM_003906.5 (MANE Select); coding-DNA position 671, C replaced by A.
Protein change: p.Pro224His; replaces proline 224 with histidine.
Molecular consequence: missense variant.
Genome position (GRCh38, 1-based): chr21:46,284,616, G>T on the plus strand (C>A on the coding strand, the complement: MCM3AP is on the minus strand). VCF-style: chr21-46284616-G-T. GRCh37 (hg19) VCF-style: chr21-47704530-G-T.
Other names: c.671C>A (NM_003906.3); short protein forms P224H.
Identifiers: ClinVar variation 2070286 (VCV002070286.2), dbSNP rs768052088, ClinGen allele CA10077300.
Genomic context (GRCh38, chr21:46,284,616, plus strand): 5'-CTTCCAAATATTGACTTAGGTCCTCTCTTCTCTTCCTCTACATTTTGGTTTGACAAAGCA[G>T]GGGTAAAGGCAGATAATGAATTATTACTACTAACAGGTTTTGAAAAGGTAAAATTTGAAG-3'
Protein context (NP_003897.2, residues 214-234): SSNNSLSAFT[Pro224His]ALSNQNVEEE